The following is an entry in ClinVar:

ClinVar aggregate classification (germline): Uncertain significance (1 of 4 stars; one submission).

Allele frequency attached by ClinVar (database versions not stated): gnomAD exomes below 0.00001.
gnomAD v4.1: 2 of 1,613,908 alleles (0.00012%); highest among the groups gnomAD compares: Non-Finnish European, 0.00017%; no homozygotes.

Submission:

Labcorp Genetics (formerly Invitae), Labcorp
Classification: Uncertain significance. Last evaluated: 2022-01-12. Review status: criteria provided, single submitter. Criteria: Invitae Variant Classification Sherloc (09022015). Collection method: clinical testing. Allele origin: germline.
Comment: In summary, the available evidence is currently insufficient to determine the role of this variant in disease. Therefore, it has been classified as a Variant of Uncertain Significance. Algorithms developed to predict the effect of missense changes on protein structure and function are either unavailable or do not agree on the potential impact of this missense change (SIFT: "Deleterious"; PolyPhen-2: "Benign"; Align-GVGD: "Class C0"). This variant has not been reported in the literature in individuals affected with VCAN-related conditions. This variant is present in population databases (no rsID available, gnomAD 0.002%). This sequence change replaces asparagine, which is neutral and polar, with histidine, which is basic and polar, at codon 2871 of the VCAN protein (p.Asn2871His).

NM_004385.5(VCAN):c.8611A>C (p.Asn2871His)

Genes: VCAN (versican; plus strand), VCAN-AS1 (VCAN antisense RNA 1; minus strand). Cytogenetic location: 5q14.3.
Variant type: single nucleotide variant.
Coding change: c.8611A>C on transcript NM_004385.5 (MANE Select); coding-DNA position 8611, A replaced by C.
Protein change: p.Asn2871His; replaces asparagine 2871 with histidine.
Molecular consequence: missense variant. On other transcripts: intron variant (2).
Genome position (GRCh38, 1-based): chr5:83,541,614, A>C. VCF-style: chr5-83541614-A-C. GRCh37 (hg19) VCF-style: chr5-82837433-A-C.
Other names: c.5650A>C, p.Asn1884His (NM_001164097.2); c.4004-3923A>C (NM_001164098.2); c.1043-3923A>C (NM_001126336.3); short protein forms N1884H, N2871H.
Identifiers: ClinVar variation 2081108 (VCV002081108.4), dbSNP rs1445034198, ClinGen allele CA360293785.
Genomic context (GRCh38, chr5:83,541,614, plus strand): 5'-GGAATAGACGTCGGCTCATCTGTAATGTCCCCACAGGATTCTTTTAAGGAAATTCATGTA[A>C]ATATTGAAGCGACTTTCAAACCATCAAGTGAGGAATACCTTCACATAACTGAGCCTCCCT-3'
Protein context (NP_004376.2, residues 2861-2881): PQDSFKEIHV[Asn2871His]IEATFKPSSE